The following is an entry in ClinVar:

NM_004369.4(COL6A3):c.4899del (p.Glu1634fs)

Gene: COL6A3 (collagen type VI alpha 3 chain; minus strand). Cytogenetic location: 2q37.3.
Variant type: Deletion.
Coding change: c.4899del on transcript NM_004369.4 (MANE Select); coding-DNA position 4899, one base deleted (A; older notation c.4899delA).
Protein change: p.Glu1634fs; shifts the reading frame from glutamic acid 1634.
Molecular consequence: frameshift variant.
Genome position (GRCh38, 1-based): chr2:237,368,564, T deleted on the plus strand (A on the coding strand, the reverse complement: COL6A3 is on the minus strand). VCF-style (leftmost placement, unchanged base first): chr2-237368563-CT-C. GRCh37 (hg19) VCF-style: chr2-238277206-CT-C.
Other names: c.3078del, p.Glu1027fs (NM_057166.5); c.4281del, p.Glu1428fs (NM_057167.4); short protein forms E1027fs, E1634fs, E1428fs.
Identifiers: ClinVar variation 846414 (VCV000846414.8), dbSNP rs2077607833, ClinGen allele CA916081406.

ClinVar aggregate classification (germline): Pathogenic (1 of 4 stars; one submission).

Conditions:
Bethlem myopathy 1A. Also called: MYOPATHY, BENIGN CONGENITAL, WITH CONTRACTURES; Bethlem Muscular Dystrophy; Bethlem myopathy 1. Identifiers: Orphanet 610, MedGen CN029274, MONDO:0024530, OMIM 158810.

Submission:

Labcorp Genetics (formerly Invitae), Labcorp
Classification: Pathogenic for Bethlem myopathy 1A. Last evaluated: 2022-07-11. Review status: criteria provided, single submitter. Criteria: Invitae Variant Classification Sherloc (09022015). Collection method: clinical testing. Allele origin: germline.
Comment: This sequence change creates a premature translational stop signal (p.Glu1634Argfs*32) in the COL6A3 gene. It is expected to result in an absent or disrupted protein product. Loss-of-function variants in COL6A3 are known to be pathogenic (PMID: 26004199). This variant is not present in population databases (gnomAD no frequency). This variant has not been reported in the literature in individuals affected with COL6A3-related conditions. ClinVar contains an entry for this variant (Variation ID: 846414). Algorithms developed to predict the effect of sequence changes on RNA splicing suggest that this variant may disrupt the consensus splice site. For these reasons, this variant has been classified as Pathogenic.

Literature cited by the submitters: PubMed 26004199.